The following is an entry in ClinVar:

NM_000264.5(PTCH1):c.3229A>G (p.Lys1077Glu)

Gene: PTCH1 (patched 1; minus strand). Cytogenetic location: 9q22.32.
Variant type: single nucleotide variant.
Coding change: c.3229A>G on transcript NM_000264.5 (MANE Select); coding-DNA position 3229, A replaced by G.
Protein change: p.Lys1077Glu; replaces lysine 1077 with glutamic acid.
Molecular consequence: missense variant. On other transcripts: non-coding transcript variant (1).
Genome position (GRCh38, 1-based): chr9:95,456,353, T>C on the plus strand (A>G on the coding strand, the complement: PTCH1 is on the minus strand). VCF-style: chr9-95456353-T-C. GRCh37 (hg19) VCF-style: chr9-98218635-T-C.
Other names: c.3031A>G, p.Lys1011Glu (NM_001083602.3); c.3226A>G, p.Lys1076Glu (NM_001083603.3); c.2776A>G, p.Lys926Glu (NM_001083604.3, NM_001083605.3, NM_001083606.3 and 1 more transcripts); c.3073A>G, p.Lys1025Glu (NM_001354918.2); short protein forms K1076E, K1077E, K926E, K1025E, K1011E.
Identifiers: ClinVar variation 3784602 (VCV003784602.1).
Genomic context (GRCh38, chr9:95,456,353, plus strand): 5'-TGAACTCCACTCCTATGCCAACAGAAGCGATCAGGATGACCACGGGCACGGCACTGAGCT[T>C]GATTCCGATGAGGCCCATCATGCCGAACAGCTCGACCGTCATCAGCGCCAGGACCATCAC-3'
Protein context (NP_000255.2, residues 1067-1087): LFGMMGLIGI[Lys1077Glu]LSAVPVVILI

ClinVar aggregate classification (germline): Uncertain significance (1 of 4 stars; one submission).

Conditions:
Hereditary cancer-predisposing syndrome. Also called: Neoplastic Syndromes, Hereditary; Hereditary Cancer Syndrome; Tumor predisposition; Hereditary neoplastic syndrome. Identifiers: Orphanet 140162, MedGen C0027672, MeSH D009386, MONDO:0015356.

Submission:

Ambry Genetics
Classification: Uncertain significance for Hereditary cancer-predisposing syndrome. Last evaluated: 2024-12-12. Review status: criteria provided, single submitter. Criteria: Ambry Variant Classification Scheme 2023. Collection method: clinical testing. Allele origin: germline.
Comment: The p.K1077E variant (also known as c.3229A>G), located in coding exon 19 of the PTCH1 gene, results from an A to G substitution at nucleotide position 3229. The lysine at codon 1077 is replaced by glutamic acid, an amino acid with similar properties. This amino acid position is conserved. In addition, this alteration is predicted to be deleterious by in silico analysis. Based on the available evidence, the clinical significance of this variant remains unclear.